The following is an entry in ClinVar:

NM_001164508.2(NEB):c.7154dup (p.His2386fs)

Gene: NEB (nebulin; minus strand). Cytogenetic location: 2q23.3.
Variant type: Duplication.
Coding change: c.7154dup on transcript NM_001164508.2 (MANE Select); coding-DNA position 7154, one base duplicated (T; older notation c.7154dupT).
Protein change: p.His2386fs; shifts the reading frame from histidine 2386.
Molecular consequence: frameshift variant.
Genome position (GRCh38, 1-based): chr2:151,650,647, A duplicated on the plus strand (T on the coding strand, the reverse complement: NEB is on the minus strand). VCF-style (leftmost placement, unchanged base first): chr2-151650646-C-CA. GRCh37 (hg19) VCF-style: chr2-152507160-C-CA.
Other names: c.7154dup, p.His2386fs (NM_004543.5, NM_001164507.2, NM_001271208.2); short protein forms H2386fs.
Identifiers: ClinVar variation 4814781 (VCV004814781.1).

ClinVar aggregate classification (germline): Likely pathogenic (1 of 4 stars; one submission).

Conditions:
Nemaline myopathy 2 (NEM2). Also called: Nemaline myopathy 2, autosomal recessive. Identifiers: MedGen C1850569, MONDO:0009725, OMIM 256030.

Submission:

Natera, Inc.
Classification: Likely pathogenic for Nemaline myopathy type 2. Last evaluated: 2024-07-05. Review status: criteria provided, single submitter. Criteria: Natera Variant Classification Schema (03/2026). Collection method: clinical testing. Allele origin: germline.
Comment: The c.7154dup variant in NEB is a frameshift variant predicted to shift the reading frame beginning at codon 2386 and leads to a stop codon 8 codons downstream. This variant is expected to result in nonsense mediated decay, truncation, or a dysfunctional protein product. This variant is rare in the general population with a frequency below the threshold expected for the associated phenotype(s). Given the available evidence, this variant is classified as Likely Pathogenic.